The following is an entry in ClinVar:

ClinVar aggregate classification (germline): Uncertain significance (1 of 4 stars; one submission).

Conditions:
PCNT-related disorder. Also called: PCNT-related condition.

Submission:

PreventionGenetics, part of Exact Sciences
Classification: Uncertain significance for PCNT-related condition. Last evaluated: 2026-03-13. Review status: criteria provided, single submitter. Criteria: ACMG Guidelines, 2015. Collection method: clinical testing. Allele origin: germline.
Comment: The PCNT c.1999G>C variant is predicted to result in the amino acid substitution p.Ala667Pro. To our knowledge, this variant has not been reported in the literature or in a large population database (gnomAD), indicating this variant is rare. At this time, the clinical significance of this variant is uncertain due to the absence of conclusive functional and genetic evidence.

NM_006031.6(PCNT):c.1999G>C (p.Ala667Pro)

Gene: PCNT (pericentrin; plus strand). Cytogenetic location: 21q22.3.
Variant type: single nucleotide variant.
Coding change: c.1999G>C on transcript NM_006031.6 (MANE Select); coding-DNA position 1999, G replaced by C.
Protein change: p.Ala667Pro; replaces alanine 667 with proline.
Molecular consequence: missense variant.
Genome position (GRCh38, 1-based): chr21:46,357,036, G>C. VCF-style: chr21-46357036-G-C. GRCh37 (hg19) VCF-style: chr21-47776951-G-C.
Other names: c.1645G>C, p.Ala549Pro (NM_001315529.2); short protein forms A549P, A667P.
Identifiers: ClinVar variation 4996316 (VCV004996316.1).